The following is an entry in ClinVar:

NM_006440.5(TXNRD2):c.187A>G (p.Arg63Gly)

Gene: TXNRD2 (thioredoxin reductase 2; minus strand). Cytogenetic location: 22q11.21.
Variant type: single nucleotide variant.
Coding change: c.187A>G on transcript NM_006440.5 (MANE Select); coding-DNA position 187, A replaced by G.
Protein change: p.Arg63Gly; replaces arginine 63 with glycine.
Molecular consequence: missense variant. On other transcripts: 5 prime UTR variant (1).
Genome position (GRCh38, 1-based): chr22:19,919,585, T>C on the plus strand (A>G on the coding strand, the complement: TXNRD2 is on the minus strand). VCF-style: chr22-19919585-T-C. GRCh37 (hg19) VCF-style: chr22-19907108-T-C.
Other names: c.187A>G, p.Arg63Gly (NM_001282512.3); c.184A>G, p.Arg62Gly (NM_001352300.2); c.97A>G, p.Arg33Gly (NM_001352301.2); c.-102A>G (NM_001352302.2); c.91A>G, p.Arg31Gly (NM_001352303.2); short protein forms R33G, R63G, R62G, R31G.
Identifiers: ClinVar variation 1391958 (VCV001391958.6), dbSNP rs2146049658, ClinGen allele CA410694875.

ClinVar aggregate classification (germline): Uncertain significance (1 of 4 stars; one submission).

Conditions:
Primary dilated cardiomyopathy (DCM). Also called: Dilated Cardiomyopathy. Identifiers: Orphanet 217604, MedGen C0007193, MeSH D002311, MONDO:0005021, HP:0001644. Inheritance: Various modes of inheritance.

gnomAD v4.1: 1 of 1,562,658 alleles (0.000064%); no homozygotes.

Submission:

Labcorp Genetics (formerly Invitae), Labcorp
Classification: Uncertain significance for Primary dilated cardiomyopathy. Last evaluated: 2021-04-29. Review status: criteria provided, single submitter. Criteria: Invitae Variant Classification Sherloc (09022015). Collection method: clinical testing. Allele origin: germline.
Comment: In summary, the available evidence is currently insufficient to determine the role of this variant in disease. Therefore, it has been classified as a Variant of Uncertain Significance. Algorithms developed to predict the effect of missense changes on protein structure and function (SIFT, PolyPhen-2, Align-GVGD) all suggest that this variant is likely to be tolerated, but these predictions have not been confirmed by published functional studies and their clinical significance is uncertain. This variant has not been reported in the literature in individuals with TXNRD2-related conditions. This variant is not present in population databases (ExAC no frequency). This sequence change replaces arginine with glycine at codon 63 of the TXNRD2 protein (p.Arg63Gly). The arginine residue is weakly conserved and there is a moderate physicochemical difference between arginine and glycine.